The following is an entry in ClinVar:

NM_001143854.2(RPH3A):c.947-8C>G

Gene: RPH3A (rabphilin 3A; plus strand). Cytogenetic location: 12q24.13.
Variant type: single nucleotide variant.
Coding change: c.947-8C>G on transcript NM_001143854.2 (MANE Select); 8 bases into the intron before coding-DNA position 947, C replaced by G.
Molecular consequence: intron variant.
Genome position (GRCh38, 1-based): chr12:112,876,634, C>G. VCF-style: chr12-112876634-C-G. GRCh37 (hg19) VCF-style: chr12-113314439-C-G.
Other names: c.947-8C>G (NM_001347952.2, NM_001347953.1, NM_001347954.2); c.935-8C>G (NM_014954.4); c.746-8C>G (NM_001347955.2).
Identifiers: ClinVar variation 4851841 (VCV004851841.1).

ClinVar aggregate classification (germline): Likely benign (1 of 4 stars; one submission).

gnomAD v4.1: 16 of 1,589,218 alleles (0.001%); highest among the groups gnomAD compares: Non-Finnish European, 0.0014%; no homozygotes.

Submission:

Dasa
Classification: Likely benign. Last evaluated: 2026-02-16. Review status: criteria provided, single submitter. Criteria: DASA Assertion Criteria. Collection method: clinical testing. Allele origin: germline.
Comment: NM_001143854.2(RPH3A):c.947-8C>G is a splice-region variant predicted to affect normal RNA splicing. Multiple computational predictions suggest no deleterious effect on the gene or gene product. The variant is present at low frequency in population datasets. Based on the available data, this variant is classified as likely benign.